The following is an entry in ClinVar:

NM_000069.3(CACNA1S):c.1720G>A (p.Ala574Thr)

Gene: CACNA1S (calcium voltage-gated channel subunit alpha1 S; minus strand). Cytogenetic location: 1q32.1.
Variant type: single nucleotide variant.
Coding change: c.1720G>A on transcript NM_000069.3 (MANE Select); coding-DNA position 1720, G replaced by A.
Protein change: p.Ala574Thr; replaces alanine 574 with threonine.
Molecular consequence: missense variant.
Genome position (GRCh38, 1-based): chr1:201,077,027, C>T on the plus strand (G>A on the coding strand, the complement: CACNA1S is on the minus strand). VCF-style: chr1-201077027-C-T. GRCh37 (hg19) VCF-style: chr1-201046155-C-T.
Other names: c.1720G>A (NM_000069.2); short protein forms A574T.
Identifiers: ClinVar variation 1709054 (VCV001709054.34), dbSNP rs773440873, ClinGen allele CA078529.

ClinVar aggregate classification (germline): Conflicting classifications of pathogenicity. Review status: criteria provided, conflicting classifications (1 of 4 stars). 6 submissions from 6 submitters: Uncertain significance (5); Likely benign (1). Last evaluated 2026-01-19.

Conditions:
Thyrotoxic periodic paralysis, susceptibility to, 1 (TTPP1). Identifiers: Orphanet 79102, MedGen C2749982, MONDO:0008570, OMIM 188580.
Congenital myopathy 18. Also called: Myopathy, congenital, due to dihydropyridine receptor defect; DIHYDROPYRIDINE RECEPTOR CONGENITAL MYOPATHY; DHPR CONGENITAL MYOPATHY. Identifiers: MedGen C5830283, MONDO:0859514, OMIM 620246.
Hypokalemic periodic paralysis, type 1. Also called: Hypokalemic Periodic Paralysis Type 1 (AD); HypoPP. Identifiers: Orphanet 681, MedGen C3714580, MONDO:0042979, OMIM 170400.
Malignant hyperthermia, susceptibility to, 5 (MHS5). Also called: CACNA1S-Related Malignant Hyperthermia Susceptibility. Identifiers: Orphanet 423, MedGen C1866077, MONDO:0011163, OMIM 601887.

Allele frequency attached by ClinVar (database versions not stated): ExAC 0.00002; gnomAD exomes 0.00002; TOPMed 0.00003; gnomAD 0.00004.

Submissions (6):

Labcorp Genetics (formerly Invitae), Labcorp
Classification: Likely benign for Hypokalemic periodic paralysis, type 1; Malignant hyperthermia, susceptibility to, 5. Last evaluated: 2026-01-19. Review status: criteria provided, single submitter. Criteria: Invitae Variant Classification Sherloc (09022015). Collection method: clinical testing. Allele origin: germline.

Color Diagnostics, LLC DBA Color Health
Classification: Uncertain significance for Malignant hyperthermia, susceptibility to, 5. Last evaluated: 2025-08-19. Review status: criteria provided, single submitter. Criteria: ACMG Guidelines, 2015. Collection method: clinical testing. Allele origin: germline.
Comment: This missense variant replaces alanine with threonine at codon 574 of the CACNA1S protein. Computational prediction suggests that this variant may have deleterious impact on protein structure and function. To our knowledge, functional studies have not been reported for this variant. This variant has not been reported in individuals affected with CACNA1S-related disorders in the literature. This variant has been identified in 6/282888 chromosomes in the general population by the Genome Aggregation Database (gnomAD). The available evidence is insufficient to determine the role of this variant in disease conclusively. Therefore, this variant is classified as a Variant of Uncertain Significance.

Fulgent Genetics
Classification: Uncertain significance for Hypokalemic periodic paralysis, type 1; Thyrotoxic periodic paralysis, susceptibility to, 1; Malignant hyperthermia, susceptibility to, 5; Congenital myopathy 18. Last evaluated: 2024-05-11. Review status: criteria provided, single submitter. Criteria: ACMG Guidelines, 2015. Collection method: clinical testing. Allele origin: germline.

CeGaT Center for Human Genetics Tuebingen
Classification: Uncertain significance. Last evaluated: 2023-04-01. Review status: criteria provided, single submitter. Criteria: CeGaT Center For Human Genetics Tuebingen Variant Classification Criteria Version 2. Collection method: clinical testing. Allele origin: germline. Affected: yes. Observed: 1 variant allele.
Comment: CACNA1S: PM2

GeneDx
Classification: Uncertain significance. Last evaluated: 2023-03-01. Review status: criteria provided, single submitter. Criteria: GeneDx Variant Classification Process June 2021. Collection method: clinical testing. Allele origin: germline. Affected: yes.
Comment: In silico analysis supports that this missense variant does not alter protein structure/function; Previously reported in an individual from a cohort of patients with epilepsy and sudden unexplained death; however additional clinical information and segregation data was not provided (Salfati et al., 2019); This variant is associated with the following publications: (PMID: 31847883)

MGZ Medical Genetics Center
Classification: Uncertain significance for Malignant hyperthermia, susceptibility to, 5. Last evaluated: 2021-12-28. Review status: criteria provided, single submitter. Criteria: ACMG Guidelines, 2015. Collection method: clinical testing. Allele origin: germline. Affected: yes. Observed: 1 variant allele.
Comment: ACMG criteria applied: PM2_SUP, PP3